The following is an entry in ClinVar:

ClinVar aggregate classification (germline): Uncertain significance. Review status: criteria provided, multiple submitters, no conflicts (2 of 4 stars). 2 submissions from 2 submitters: Uncertain significance (2). Last evaluated 2025-06-19.

Conditions:
Ataxia-telangiectasia syndrome (AT). Also called: Ataxia-telangiectasia, complementation group E; Ataxia telangiectasia (A-T); LOUIS-BAR SYNDROME; Ataxia-telangiectasia, complementation group D; AT, COMPLEMENTATION GROUP C; Ataxia-telangiectasia. Identifiers: Orphanet 100, MedGen C0004135, MONDO:0008840, OMIM 208900.
Hereditary cancer-predisposing syndrome. Also called: Neoplastic Syndromes, Hereditary; Hereditary neoplastic syndrome; Tumor predisposition; Hereditary Cancer Syndrome. Identifiers: Orphanet 140162, MedGen C0027672, MeSH D009386, MONDO:0015356.

Submissions (2):

Ambry Genetics
Classification: Uncertain significance for Hereditary cancer-predisposing syndrome. Last evaluated: 2025-06-19. Review status: criteria provided, single submitter. Criteria: Ambry Variant Classification Scheme 2023. Collection method: clinical testing. Allele origin: germline.
Comment: The p.K1280R variant (also known as c.3839A>G), located in coding exon 25 of the ATM gene, results from an A to G substitution at nucleotide position 3839. The lysine at codon 1280 is replaced by arginine, an amino acid with highly similar properties. This amino acid position is conserved. In addition, this alteration is predicted to be tolerated by in silico analysis. Since supporting evidence is limited at this time, the clinical significance of this alteration remains unclear.

Labcorp Genetics (formerly Invitae), Labcorp
Classification: Uncertain significance for Ataxia-telangiectasia syndrome. Last evaluated: 2022-11-15. Review status: criteria provided, single submitter. Criteria: Invitae Variant Classification Sherloc (09022015). Collection method: clinical testing. Allele origin: germline.
Comment: This sequence change replaces lysine, which is basic and polar, with arginine, which is basic and polar, at codon 1280 of the ATM protein (p.Lys1280Arg). In summary, the available evidence is currently insufficient to determine the role of this variant in disease. Therefore, it has been classified as a Variant of Uncertain Significance. Algorithms developed to predict the effect of missense changes on protein structure and function (SIFT, PolyPhen-2, Align-GVGD) all suggest that this variant is likely to be tolerated. ClinVar contains an entry for this variant (Variation ID: 835776). This variant has not been reported in the literature in individuals affected with ATM-related conditions. This variant is not present in population databases (gnomAD no frequency).

NM_000051.4(ATM):c.3839A>G (p.Lys1280Arg)

Gene: ATM (ATM serine/threonine kinase; plus strand). Cytogenetic location: 11q22.3.
Variant type: single nucleotide variant.
Coding change: c.3839A>G on transcript NM_000051.4 (MANE Select); coding-DNA position 3839, A replaced by G.
Protein change: p.Lys1280Arg; replaces lysine 1280 with arginine.
Molecular consequence: missense variant.
Genome position (GRCh38, 1-based): chr11:108,284,319, A>G. VCF-style: chr11-108284319-A-G. GRCh37 (hg19) VCF-style: chr11-108155046-A-G.
Other names: c.3839A>G, p.Lys1280Arg (NM_001351834.2); short protein forms K1280R.
Identifiers: ClinVar variation 835776 (VCV000835776.8), dbSNP rs2082379727, ClinGen allele CA382525104.